The following is an entry in ClinVar:

NM_181078.3(IL21R):c.334T>C (p.Phe112Leu)

Gene: IL21R (interleukin 21 receptor; plus strand). Cytogenetic location: 16p12.1.
Variant type: single nucleotide variant.
Coding change: c.334T>C on transcript NM_181078.3 (MANE Select); coding-DNA position 334, T replaced by C.
Protein change: p.Phe112Leu; replaces phenylalanine 112 with leucine.
Molecular consequence: missense variant.
Genome position (GRCh38, 1-based): chr16:27,437,669, T>C. VCF-style: chr16-27437669-T-C. GRCh37 (hg19) VCF-style: chr16-27448990-T-C.
Other names: c.334T>C, p.Phe112Leu (NM_021798.4); c.400T>C, p.Phe134Leu (NM_181079.5); short protein forms F112L, F134L.
Identifiers: ClinVar variation 1473558 (VCV001473558.8), dbSNP rs2141295621, ClinGen allele CA395300392.

ClinVar aggregate classification (germline): Uncertain significance (1 of 4 stars; one submission).

Conditions:
Cryptosporidiosis-chronic cholangitis-liver disease syndrome. Also called: IL21R immunodeficiency; Immunodeficiency type 56. Identifiers: Orphanet 357329, MedGen C3554687, MONDO:0014082, OMIM 615207.

Allele frequency attached by ClinVar (database versions not stated): gnomAD exomes below 0.00001.
gnomAD v4.1: 1 of 1,614,002 alleles (0.000062%); highest among the groups gnomAD compares: Non-Finnish European, 0.000085%; no homozygotes.

Submission:

Labcorp Genetics (formerly Invitae), Labcorp
Classification: Uncertain significance for Cryptosporidiosis-chronic cholangitis-liver disease syndrome. Last evaluated: 2022-10-05. Review status: criteria provided, single submitter. Criteria: Invitae Variant Classification Sherloc (09022015). Collection method: clinical testing. Allele origin: germline.
Comment: This sequence change replaces phenylalanine, which is neutral and non-polar, with leucine, which is neutral and non-polar, at codon 112 of the IL21R protein (p.Phe112Leu). In summary, the available evidence is currently insufficient to determine the role of this variant in disease. Therefore, it has been classified as a Variant of Uncertain Significance. Advanced modeling of protein sequence and biophysical properties (such as structural, functional, and spatial information, amino acid conservation, physicochemical variation, residue mobility, and thermodynamic stability) performed at Invitae indicates that this missense variant is expected to disrupt IL21R protein function. ClinVar contains an entry for this variant (Variation ID: 1473558). This variant has not been reported in the literature in individuals affected with IL21R-related conditions. This variant is not present in population databases (gnomAD no frequency).